The following is an entry in ClinVar:

NM_004629.2(FANCG):c.791G>C (p.Arg264Thr)

Gene: FANCG (FA complementation group G; minus strand). Cytogenetic location: 9p13.3.
Variant type: single nucleotide variant.
Coding change: c.791G>C on transcript NM_004629.2 (MANE Select); coding-DNA position 791, G replaced by C.
Protein change: p.Arg264Thr; replaces arginine 264 with threonine.
Molecular consequence: missense variant.
Genome position (GRCh38, 1-based): chr9:35,076,857, C>G on the plus strand (G>C on the coding strand, the complement: FANCG is on the minus strand). VCF-style: chr9-35076857-C-G. GRCh37 (hg19) VCF-style: chr9-35076854-C-G.
Other names: short protein forms R264T.
Identifiers: ClinVar variation 4619380 (VCV004619380.1).

ClinVar aggregate classification (germline): Uncertain significance (1 of 4 stars; one submission).

Conditions:
Inborn genetic diseases. Identifiers: MedGen C0950123, MeSH D030342.

Submission:

Ambry Genetics
Classification: Uncertain significance for Inborn genetic diseases. Last evaluated: 2025-10-28. Review status: criteria provided, single submitter. Criteria: Ambry Variant Classification Scheme 2023. Collection method: clinical testing. Allele origin: germline.
Comment: The p.R264T variant (also known as c.791G>C), located in coding exon 7 of the FANCG gene, results from a G to C substitution at nucleotide position 791. The arginine at codon 264 is replaced by threonine, an amino acid with similar properties. This amino acid position is conserved. In addition, this alteration is predicted to be tolerated by in silico analysis. Based on the available evidence, the clinical significance of this variant remains unclear.